The following is an entry in ClinVar:

NM_017777.4(MKS1):c.1589-3C>T

Gene: MKS1 (MKS transition zone complex subunit 1; minus strand). Cytogenetic location: 17q22.
Variant type: single nucleotide variant.
Coding change: c.1589-3C>T on transcript NM_017777.4 (MANE Select); 3 bases into the intron before coding-DNA position 1589, C replaced by T.
Molecular consequence: intron variant.
Genome position (GRCh38, 1-based): chr17:58,206,173, G>A on the plus strand (C>T on the coding strand, the complement: MKS1 is on the minus strand). VCF-style: chr17-58206173-G-A. GRCh37 (hg19) VCF-style: chr17-56283534-G-A.
Other names: c.980-3C>T (NM_001321268.2); c.*1-3C>T (NM_001330397.2); c.1506-3C>T (NM_001321269.2).
Identifiers: ClinVar variation 891162 (VCV000891162.18), dbSNP rs752901746, ClinGen allele CA8669071.

ClinVar aggregate classification (germline): Uncertain significance. Review status: criteria provided, multiple submitters, no conflicts (2 of 4 stars). 5 submissions from 4 submitters: Uncertain significance (4). 1 of the submissions does not count toward it. Last evaluated 2025-04-16.

Conditions:
Meckel syndrome, type 1 (MKS1). Also called: MECKEL-GRUBER SYNDROME, TYPE 1. Identifiers: Orphanet 564, MedGen C3714506, MONDO:0009571, OMIM 249000.
Joubert syndrome 28 (JBTS28). Identifiers: MedGen C4310705, MONDO:0014928, OMIM 617121.
Bardet-Biedl syndrome 13 (BBS13). Identifiers: Orphanet 110, MedGen C2673873, MONDO:0014441, OMIM 615990.
Meckel-Gruber syndrome. Also called: Dysencephalia splachnocystica; DYSENCEPHALIA SPLANCHNOCYSTICA; GRUBER SYNDROME. Identifiers: Orphanet 564, MedGen C0265215, MONDO:0018921.
Joubert syndrome. Also called: Familial aplasia of the vermis; JOUBERT-BOLTSHAUSER SYNDROME. Identifiers: Orphanet 475, MedGen C5979921, MONDO:0018772.

Allele frequency attached by ClinVar (database versions not stated): ExAC 0.00001; gnomAD 0.00001; gnomAD exomes 0.00002.
gnomAD v4.1: 32 of 1,613,930 alleles (0.002%); highest among the groups gnomAD compares: Middle Eastern, 0.016%; no homozygotes.

Submissions (6):

Labcorp Genetics (formerly Invitae), Labcorp
Classification: Uncertain significance for Joubert syndrome; Meckel-Gruber syndrome. Last evaluated: 2025-04-16. Review status: criteria provided, single submitter. Criteria: Invitae Variant Classification Sherloc (09022015). Collection method: clinical testing. Allele origin: germline.
Comment: This sequence change falls in intron 17 of the MKS1 gene. It does not directly change the encoded amino acid sequence of the MKS1 protein. It affects a nucleotide within the consensus splice site. This variant is present in population databases (rs752901746, gnomAD 0.004%). This variant has not been reported in the literature in individuals affected with MKS1-related conditions. ClinVar contains an entry for this variant (Variation ID: 891162). Variants that disrupt the consensus splice site are a relatively common cause of aberrant splicing (PMID: 17576681, 9536098). Algorithms developed to predict the effect of sequence changes on RNA splicing suggest that this variant may disrupt the consensus splice site. In summary, the available evidence is currently insufficient to determine the role of this variant in disease. Therefore, it has been classified as a Variant of Uncertain Significance.

Fulgent Genetics
Classification: Uncertain significance for Meckel syndrome, type 1; Bardet-Biedl syndrome 13; Joubert syndrome 28. Last evaluated: 2024-02-19. Review status: criteria provided, single submitter. Criteria: ACMG Guidelines, 2015. Collection method: clinical testing. Allele origin: germline.

Illumina Laboratory Services, Illumina
Classification: Uncertain significance for Bardet-Biedl syndrome 13. Last evaluated: 2018-01-12. Review status: criteria provided, single submitter. Criteria: ICSL Variant Classification Criteria 13 December 2019. Collection method: clinical testing. Allele origin: germline.

Illumina Laboratory Services, Illumina
Classification: Uncertain significance for Meckel syndrome, type 1. Last evaluated: 2018-01-12. Review status: criteria provided, single submitter. Criteria: ICSL Variant Classification Criteria 13 December 2019. Collection method: clinical testing. Allele origin: germline.

Natera, Inc.
Classification: Uncertain significance for Meckel syndrome type 1. Last evaluated: 2020-05-29. Review status: no assertion criteria provided. Collection method: clinical testing. Allele origin: germline. Not counted in ClinVar's aggregate classification.

Dr. Peter K. Rogan Lab, Western University
No classification provided (evidence only). Condition: Gastric cancer. Review status: no classification provided. Collection method: in vitro. Allele origin: not applicable. Functional consequence: retained intron. Not counted in ClinVar's aggregate classification.

Literature cited by the submitters: PubMed 17576681 (cited by Labcorp Genetics (formerly Invitae), Labcorp); PubMed 9536098 (cited by Labcorp Genetics (formerly Invitae), Labcorp).